The following is an entry in ClinVar:

ClinVar aggregate classification (germline): Likely benign (1 of 4 stars; one submission).

Allele frequency attached by ClinVar (database versions not stated): gnomAD 0.00004.
gnomAD v4.1: 156 of 1,549,000 alleles (0.01%); highest among the groups gnomAD compares: Non-Finnish European, 0.013%; no homozygotes.

Submission:

CeGaT Center for Human Genetics Tuebingen
Classification: Likely benign. Last evaluated: 2023-05-01. Review status: criteria provided, single submitter. Criteria: CeGaT Center For Human Genetics Tuebingen Variant Classification Criteria Version 2. Collection method: clinical testing. Allele origin: germline. Affected: yes. Observed: 1 variant allele.
Comment: PIEZO1: BP4, BP7

NM_001142864.4(PIEZO1):c.7005G>T (p.Arg2335=)

Gene: PIEZO1 (piezo type mechanosensitive ion channel component 1 (Er blood group); minus strand). Cytogenetic location: 16q24.3.
Variant type: single nucleotide variant.
Coding change: c.7005G>T on transcript NM_001142864.4 (MANE Select); coding-DNA position 7005, G replaced by T.
Protein change: p.Arg2335=; no amino-acid change (arginine 2335 retained).
Molecular consequence: synonymous variant.
Genome position (GRCh38, 1-based): chr16:88,716,405, C>A on the plus strand (G>T on the coding strand, the complement: PIEZO1 is on the minus strand). VCF-style: chr16-88716405-C-A. GRCh37 (hg19) VCF-style: chr16-88782813-C-A.
Other names: c.5547G>T, p.Arg1849= (NM_014745.1).
Identifiers: ClinVar variation 2570953 (VCV002570953.27), dbSNP rs781582005, ClinGen allele CA286406457.